The following is an entry in ClinVar:

NM_178170.3(NEK8):c.743del (p.Pro248fs)

Gene: NEK8 (NIMA related kinase 8; plus strand). Cytogenetic location: 17q11.2.
Variant type: Deletion.
Coding change: c.743del on transcript NM_178170.3 (MANE Select); coding-DNA position 743, one base deleted (C; older notation c.743delC).
Protein change: p.Pro248fs; shifts the reading frame from proline 248.
Molecular consequence: frameshift variant.
Genome position (GRCh38, 1-based): chr17:28,737,430, C deleted; the last of 2 consecutive C bases (chr17:28,737,429-28,737,430); deleting either gives the same sequence. VCF-style (leftmost placement, unchanged base first): chr17-28737428-AC-A. GRCh37 (hg19) VCF-style: chr17-27064446-AC-A.
Other names: short protein forms P248fs.
Identifiers: ClinVar variation 471779 (VCV000471779.1), dbSNP rs1555564134, ClinGen allele CA658658542.

ClinVar aggregate classification (germline): Pathogenic (1 of 4 stars; one submission).

Conditions:
Nephronophthisis 9 (NPHP9). Identifiers: Orphanet 655, MedGen C3151188, MONDO:0013444, OMIM 613824.

Submission:

Labcorp Genetics (formerly Invitae), Labcorp
Classification: Pathogenic for Nephronophthisis 9. Last evaluated: 2017-02-06. Review status: criteria provided, single submitter. Criteria: Invitae Variant Classification Sherloc (09022015). Collection method: clinical testing. Allele origin: germline.
Comment: This sequence change deletes 1 nucleotide from exon 5 of the NEK8 mRNA (c.743delC), causing a frameshift at codon 248. This creates a premature translational stop signal (p.Pro248Hisfs*56) and is expected to result in an absent or disrupted protein product. While this particular variant has not been reported in the literature, loss-of-function variants in NEK8 are known to be pathogenic (PMID: 23418306). For these reasons, this variant has been classified as Pathogenic.